The following is an entry in ClinVar:

ClinVar aggregate classification (germline): Uncertain significance (1 of 4 stars; one submission).

Submission:

Ambry Genetics
Classification: Uncertain significance. Last evaluated: 2025-10-15. Review status: criteria provided, single submitter. Criteria: Ambry Variant Classification Scheme 2023. Collection method: clinical testing. Allele origin: germline.
Comment: The p.F61L variant (also known as c.183C>A), located in coding exon 1 of the PALLD gene, results from a C to A substitution at nucleotide position 183. The phenylalanine at codon 61 is replaced by leucine, an amino acid with highly similar properties. This amino acid position is conserved. In addition, this alteration is predicted to be tolerated by in silico analysis. Based on the available evidence, the clinical significance of this variant remains unclear.

NM_001166108.2(PALLD):c.1965-12848C>A

Gene: PALLD (palladin, cytoskeletal associated protein; plus strand). Cytogenetic location: 4q32.3.
Variant type: single nucleotide variant.
Coding change: c.1965-12848C>A on transcript NM_001166108.2 (MANE Select); 12848 bases into the intron before coding-DNA position 1965, C replaced by A.
Molecular consequence: intron variant. On other transcripts: missense variant (1).
Genome position (GRCh38, 1-based): chr4:168,878,074, C>A. VCF-style: chr4-168878074-C-A. GRCh37 (hg19) VCF-style: chr4-169799225-C-A.
Other names: c.-157-12848C>A (NM_001367567.1, NM_001367569.1, NM_001367570.1 and 1 more transcripts); c.183C>A, p.Phe61Leu (NM_001166110.2); c.1965-12848C>A (NM_016081.4); c.819-12848C>A (NM_001166109.2); short protein forms F61L.
Identifiers: ClinVar variation 4564134 (VCV004564134.1).